The following is an entry in ClinVar:

ClinVar aggregate classification (germline): Conflicting classifications of pathogenicity. Review status: criteria provided, conflicting classifications (1 of 4 stars). 4 submissions from 4 submitters: Uncertain significance (3); Likely benign (1). Last evaluated 2025-10-24.

Conditions:
Hereditary cancer-predisposing syndrome. Also called: Neoplastic Syndromes, Hereditary; Tumor predisposition; Hereditary Cancer Syndrome; Hereditary neoplastic syndrome. Identifiers: Orphanet 140162, MedGen C0027672, MeSH D009386, MONDO:0015356.

Allele frequency attached by ClinVar (database versions not stated): TOPMed 0.00001.
gnomAD v4.1: 1 of 1,613,632 alleles (0.000062%); highest among the groups gnomAD compares: African/African-American, 0.0013%; no homozygotes.

Submissions (4):

Labcorp Genetics (formerly Invitae), Labcorp
Classification: Uncertain significance. Last evaluated: 2025-10-24. Review status: criteria provided, single submitter. Criteria: Invitae Variant Classification Sherloc (09022015). Collection method: clinical testing. Allele origin: germline.
Comment: This sequence change replaces leucine, which is neutral and non-polar, with valine, which is neutral and non-polar, at codon 469 of the POLE protein (p.Leu469Val). This variant is not present in population databases (gnomAD no frequency). This variant has not been reported in the literature in individuals affected with POLE-related conditions. ClinVar contains an entry for this variant (Variation ID: 473456). Invitae Evidence Modeling of protein sequence and biophysical properties (such as structural, functional, and spatial information, amino acid conservation, physicochemical variation, residue mobility, and thermodynamic stability) indicates that this missense variant is expected to disrupt POLE protein function with a positive predictive value of 80%. In summary, the available evidence is currently insufficient to determine the role of this variant in disease. Therefore, it has been classified as a Variant of Uncertain Significance.

Quest Diagnostics Nichols Institute San Juan Capistrano
Classification: Uncertain significance. Last evaluated: 2025-10-13. Review status: criteria provided, single submitter. Criteria: Quest Diagnostics criteria. Collection method: clinical testing. Allele origin: unknown.
Comment: The POLE c.1405C>G (p.Leu469Val) variant has not been reported in individuals with POLE-related conditions in the published literature. The frequency of this variant in the general population (Genome Aggregation Database) is uninformative in the assessment of its pathogenicity. Analysis of this variant using bioinformatics tools for the prediction of the effect of amino acid changes on protein structure and function yielded conflicting predictions that this variant is benign or damaging. Based on the available information, we are unable to determine the clinical significance of this variant.

Ambry Genetics
Classification: Likely benign for Hereditary cancer-predisposing syndrome. Last evaluated: 2024-07-01. Review status: criteria provided, single submitter. Criteria: Ambry Variant Classification Scheme 2023. Collection method: clinical testing. Allele origin: germline.

GeneDx
Classification: Uncertain significance. Last evaluated: 2022-11-02. Review status: criteria provided, single submitter. Criteria: GeneDx Variant Classification Process June 2021. Collection method: clinical testing. Allele origin: germline. Affected: yes.
Comment: Not observed at significant frequency in large population cohorts (gnomAD); In silico analysis supports that this missense variant has a deleterious effect on protein structure/function; Has not been previously published as pathogenic or benign to our knowledge; This variant is associated with the following publications: (PMID: 20951805)

NM_006231.4(POLE):c.1405C>G (p.Leu469Val)

Gene: POLE (DNA polymerase epsilon, catalytic subunit; minus strand). Cytogenetic location: 12q24.33.
Variant type: single nucleotide variant.
Coding change: c.1405C>G on transcript NM_006231.4 (MANE Select); coding-DNA position 1405, C replaced by G.
Protein change: p.Leu469Val; replaces leucine 469 with valine.
Molecular consequence: missense variant.
Genome position (GRCh38, 1-based): chr12:132,673,232, G>C on the plus strand (C>G on the coding strand, the complement: POLE is on the minus strand). VCF-style: chr12-132673232-G-C. GRCh37 (hg19) VCF-style: chr12-133249818-G-C.
Other names: short protein forms L469V.
Identifiers: ClinVar variation 473456 (VCV000473456.17), dbSNP rs368303888, ClinGen allele CA246294139.